The following is an entry in ClinVar:

ClinVar aggregate classification (germline): Uncertain significance (1 of 4 stars; one submission).

Allele frequency attached by ClinVar (database versions not stated): gnomAD exomes below 0.00001; gnomAD 0.00001; ExAC 0.00002; TOPMed 0.00002.
gnomAD v4.1: 7 of 1,613,828 alleles (0.00043%); highest among the groups gnomAD compares: African/African-American, 0.004%; no homozygotes.

Submission:

Labcorp Genetics (formerly Invitae), Labcorp
Classification: Uncertain significance. Last evaluated: 2022-07-15. Review status: criteria provided, single submitter. Criteria: Invitae Variant Classification Sherloc (09022015). Collection method: clinical testing. Allele origin: germline.
Comment: In summary, the available evidence is currently insufficient to determine the role of this variant in disease. Therefore, it has been classified as a Variant of Uncertain Significance. Algorithms developed to predict the effect of missense changes on protein structure and function are either unavailable or do not agree on the potential impact of this missense change (SIFT: "Not Available"; PolyPhen-2: "Probably Damaging"; Align-GVGD: "Not Available"). This variant has not been reported in the literature in individuals affected with MYO18B-related conditions. This variant is present in population databases (rs768235451, gnomAD 0.0009%). This sequence change replaces arginine, which is basic and polar, with glutamine, which is neutral and polar, at codon 2383 of the MYO18B protein (p.Arg2383Gln).

NM_032608.7(MYO18B):c.7148G>A (p.Arg2383Gln)

Gene: MYO18B (myosin XVIIIB; plus strand). Cytogenetic location: 22q12.1.
Variant type: single nucleotide variant.
Coding change: c.7148G>A on transcript NM_032608.7 (MANE Select); coding-DNA position 7148, G replaced by A.
Protein change: p.Arg2383Gln; replaces arginine 2383 with glutamine.
Molecular consequence: missense variant.
Genome position (GRCh38, 1-based): chr22:26,027,122, G>A. VCF-style: chr22-26027122-G-A. GRCh37 (hg19) VCF-style: chr22-26423088-G-A.
Other names: c.7151G>A, p.Arg2384Gln (NM_001318245.2); short protein forms R2383Q, R2384Q.
Identifiers: ClinVar variation 1989191 (VCV001989191.4), dbSNP rs768235451, ClinGen allele CA10161703.